The following is an entry in ClinVar:

ClinVar aggregate classification (germline): Uncertain significance (1 of 4 stars; one submission).

Allele frequency attached by ClinVar (database versions not stated): gnomAD 0.00001.
gnomAD v4.1: 1 of 1,612,296 alleles (0.000062%); highest among the groups gnomAD compares: African/African-American, 0.0013%; no homozygotes.

Submission:

GeneDx
Classification: Uncertain significance. Last evaluated: 2020-12-15. Review status: criteria provided, single submitter. Criteria: GeneDx Variant Classification Process June 2021. Collection method: clinical testing. Allele origin: germline. Affected: yes.
Comment: Not observed at a significant frequency in large population cohorts (Lek et al., 2016); In silico analysis supports that this missense variant has a deleterious effect on protein structure/function; Has not been previously published as pathogenic or benign to our knowledge

NM_000209.4(PDX1):c.485A>C (p.Glu162Ala)

Gene: PDX1 (pancreatic and duodenal homeobox 1; plus strand). Cytogenetic location: 13q12.2.
Variant type: single nucleotide variant.
Coding change: c.485A>C on transcript NM_000209.4 (MANE Select); coding-DNA position 485, A replaced by C.
Protein change: p.Glu162Ala; replaces glutamic acid 162 with alanine.
Molecular consequence: missense variant.
Genome position (GRCh38, 1-based): chr13:27,924,334, A>C. VCF-style: chr13-27924334-A-C. GRCh37 (hg19) VCF-style: chr13-28498471-A-C.
Other names: short protein forms E162A.
Identifiers: ClinVar variation 1303849 (VCV001303849.2), dbSNP rs1169068861, ClinGen allele CA387645412.
Genomic context (GRCh38, chr13:27,924,334, plus strand): 5'-AGCCGGAGGAGAACAAGCGGACGCGCACGGCCTACACGCGCGCACAGCTGCTAGAGCTGG[A>C]GAAGGAGTTCCTATTCAACAAGTACATCTCACGGCCGCGCCGGGTGGAGCTGGCTGTCAT-3'
Protein context (NP_000200.1, residues 152-172): AYTRAQLLEL[Glu162Ala]KEFLFNKYIS